The following is an entry in ClinVar:

NM_000214.3(JAG1):c.1915A>G (p.Arg639Gly)

Gene: JAG1 (jagged canonical Notch ligand 1; minus strand). Cytogenetic location: 20p12.2.
Variant type: single nucleotide variant.
Coding change: c.1915A>G on transcript NM_000214.3 (MANE Select); coding-DNA position 1915, A replaced by G.
Protein change: p.Arg639Gly; replaces arginine 639 with glycine.
Molecular consequence: missense variant.
Genome position (GRCh38, 1-based): chr20:10,646,055, T>C on the plus strand (A>G on the coding strand, the complement: JAG1 is on the minus strand). VCF-style: chr20-10646055-T-C. GRCh37 (hg19) VCF-style: chr20-10626703-T-C.
Other names: short protein forms R639G.
Identifiers: ClinVar variation 2561145 (VCV002561145.3), dbSNP rs747362885, ClinGen allele CA9764703.

ClinVar aggregate classification (germline): Uncertain significance. Review status: criteria provided, multiple submitters, no conflicts (2 of 4 stars). 2 submissions from 2 submitters: Uncertain significance (2). Last evaluated 2023-05-22.

Conditions:
Cardiovascular phenotype. Identifiers: MedGen CN230736.

Allele frequency attached by ClinVar (database versions not stated): gnomAD exomes below 0.00001; ExAC 0.00001.
gnomAD v4.1: 6 of 1,613,628 alleles (0.00037%); highest among the groups gnomAD compares: Non-Finnish European, 0.00042%; no homozygotes.

Submissions (2):

Ambry Genetics
Classification: Uncertain significance for Cardiovascular phenotype. Last evaluated: 2023-05-22. Review status: criteria provided, single submitter. Criteria: Ambry Variant Classification Scheme 2023. Collection method: clinical testing. Allele origin: germline.
Comment: The p.R639G variant (also known as c.1915A>G), located in coding exon 15 of the JAG1 gene, results from an A to G substitution at nucleotide position 1915. The arginine at codon 639 is replaced by glycine, an amino acid with dissimilar properties. This amino acid position is conserved. In addition, this alteration is predicted to be tolerated by in silico analysis. Since supporting evidence is limited at this time, the clinical significance of this alteration remains unclear.

Blueprint Genetics
Classification: Uncertain significance. Last evaluated: 2022-04-05. Review status: criteria provided, single submitter. Criteria: ACMG Guidelines, 2015. Collection method: clinical testing. Allele origin: germline.